The following is an entry in ClinVar:

ClinVar aggregate classification (germline): Likely benign (1 of 4 stars; one submission).

Conditions:
PHACTR1-related disorder. Also called: PHACTR1-related condition.

gnomAD v4.1: 5 of 1,572,428 alleles (0.00032%); highest among the groups gnomAD compares: Non-Finnish European, 0.00043%; no homozygotes.

Submission:

PreventionGenetics, part of Exact Sciences
Classification: Likely benign for PHACTR1-related condition. Last evaluated: 2026-07-11. Review status: criteria provided, single submitter. Criteria: ACMG Guidelines, 2015. Collection method: clinical testing. Allele origin: germline.
Comment: This variant is classified as likely benign based on ACMG/AMP sequence variant interpretation guidelines (Richards et al. 2015 PMID: 25741868, with internal and published modifications).

NM_030948.6(PHACTR1):c.39G>A (p.Glu13=)

Gene: PHACTR1 (phosphatase and actin regulator 1; plus strand). Cytogenetic location: 6p24.1.
Variant type: single nucleotide variant.
Coding change: c.39G>A on transcript NM_030948.6 (MANE Select); coding-DNA position 39, G replaced by A.
Protein change: p.Glu13=; no amino-acid change (glutamic acid 13 retained).
Molecular consequence: synonymous variant.
Genome position (GRCh38, 1-based): chr6:12,718,783, G>A. VCF-style: chr6-12718783-G-A. GRCh37 (hg19) VCF-style: chr6-12719015-G-A.
Other names: c.39G>A, p.Glu13= (NM_001242648.4, NM_001322308.3, NM_001322309.3 and 4 more transcripts).
Identifiers: ClinVar variation 4981943 (VCV004981943.1).